The following is an entry in ClinVar:

ClinVar aggregate classification (germline): Benign (0 of 4 stars; one submission).

Conditions:
FAM47A-related disorder. Also called: FAM47A-related condition.

Allele frequency attached by ClinVar (database versions not stated): ExAC 0.00352; gnomAD 0.00998; ESP Exome Variant Server 0.01028; TOPMed 0.01128; 1000 Genomes Project 0.01430; 1000 Genomes Project 30x 0.01540.

Submission:

PreventionGenetics, part of Exact Sciences
Classification: Benign for FAM47A-related condition. Last evaluated: 2019-05-31. Review status: no assertion criteria provided. Collection method: clinical testing. Allele origin: germline.
Comment: This variant is classified as benign based on ACMG/AMP sequence variant interpretation guidelines (Richards et al. 2015 PMID: 25741868, with internal and published modifications).

NM_203408.4(FAM47A):c.1726C>G (p.Arg576Gly)

Gene: FAM47A (family with sequence similarity 47 member A; minus strand). Cytogenetic location: Xp21.1.
Variant type: single nucleotide variant.
Coding change: c.1726C>G on transcript NM_203408.4 (MANE Select); coding-DNA position 1726, C replaced by G.
Protein change: p.Arg576Gly; replaces arginine 576 with glycine.
Molecular consequence: missense variant.
Genome position (GRCh38, 1-based): chrX:34,130,553, G>C on the plus strand (C>G on the coding strand, the complement: FAM47A is on the minus strand). VCF-style: chrX-34130553-G-C. GRCh37 (hg19) VCF-style: chrX-34148670-G-C.
Other names: short protein forms R576G.
Identifiers: ClinVar variation 3038371 (VCV003038371.2), dbSNP rs77378325, ClinGen allele CA10380389.